The following is an entry in ClinVar:

NM_001177316.2(SLC34A3):c.1733C>T (p.Pro578Leu)

Gene: SLC34A3 (solute carrier family 34 member 3; plus strand). Cytogenetic location: 9q34.3.
Variant type: single nucleotide variant.
Coding change: c.1733C>T on transcript NM_001177316.2 (MANE Select); coding-DNA position 1733, C replaced by T.
Protein change: p.Pro578Leu; replaces proline 578 with leucine.
Molecular consequence: missense variant.
Genome position (GRCh38, 1-based): chr9:137,236,349, C>T. VCF-style: chr9-137236349-C-T. GRCh37 (hg19) VCF-style: chr9-140130801-C-T.
Other names: c.1733C>T (NM_080877.2); c.1733C>T, p.Pro578Leu (NM_001177317.2, NM_080877.3); short protein forms P578L.
Identifiers: ClinVar variation 1912099 (VCV001912099.6), dbSNP rs745354215, ClinGen allele CA5365033.

ClinVar aggregate classification (germline): Uncertain significance. Review status: criteria provided, multiple submitters, no conflicts (2 of 4 stars). 3 submissions from 3 submitters: Uncertain significance (3). Last evaluated 2024-04-09.

Conditions:
Inborn genetic diseases. Identifiers: MedGen C0950123, MeSH D030342.
Autosomal recessive hypophosphatemic bone disease (HHRH). Also called: Hypophosphatemic rickets with hypercalciuria; HYPERCALCIURIC RICKETS. Identifiers: Orphanet 157215, MedGen C1853271, MONDO:0009431, OMIM 241530.

Allele frequency attached by ClinVar (database versions not stated): gnomAD 0.00001; TOPMed 0.00002; gnomAD exomes 0.00007.
gnomAD v4.1: 98 of 1,541,028 alleles (0.0064%); highest among the groups gnomAD compares: Non-Finnish European, 0.0066%; no homozygotes.

Submissions (3):

Fulgent Genetics
Classification: Uncertain significance for Autosomal recessive hypophosphatemic bone disease. Last evaluated: 2024-04-09. Review status: criteria provided, single submitter. Criteria: ACMG Guidelines, 2015. Collection method: clinical testing. Allele origin: germline.

Ambry Genetics
Classification: Uncertain significance for Inborn genetic diseases. Last evaluated: 2023-07-11. Review status: criteria provided, single submitter. Criteria: Ambry Variant Classification Scheme 2023. Collection method: clinical testing. Allele origin: germline.

Labcorp Genetics (formerly Invitae), Labcorp
Classification: Uncertain significance. Last evaluated: 2022-06-16. Review status: criteria provided, single submitter. Criteria: Invitae Variant Classification Sherloc (09022015). Collection method: clinical testing. Allele origin: germline.
Comment: In summary, the available evidence is currently insufficient to determine the role of this variant in disease. Therefore, it has been classified as a Variant of Uncertain Significance. Algorithms developed to predict the effect of missense changes on protein structure and function (SIFT, PolyPhen-2, Align-GVGD) all suggest that this variant is likely to be tolerated. This variant has not been reported in the literature in individuals affected with SLC34A3-related conditions. This variant is present in population databases (rs745354215, gnomAD 0.02%). This sequence change replaces proline, which is neutral and non-polar, with leucine, which is neutral and non-polar, at codon 578 of the SLC34A3 protein (p.Pro578Leu).